The following is an entry in ClinVar:

ClinVar aggregate classification (germline): Uncertain significance. Review status: criteria provided, single submitter (1 of 4 stars). 2 submissions from 2 submitters: Uncertain significance (1). 1 of the submissions does not count toward it. Last evaluated 2024-05-21.

Conditions:
Multiple myeloma (MM). Also called: Plasma cell myeloma; Multiple myeloma, somatic. Identifiers: Orphanet 29073, Orphanet 85443, MedGen C0026764, MeSH D009101, MONDO:0009693, OMIM 254500, HP:0006775.

Submissions (2):

GeneDx
Classification: Uncertain significance. Last evaluated: 2024-05-21. Review status: criteria provided, single submitter. Criteria: GeneDx Variant Classification Process June 2021. Collection method: clinical testing. Allele origin: germline. Affected: yes.
Comment: Not observed at significant frequency in large population cohorts (gnomAD); In silico analysis supports that this missense variant has a deleterious effect on protein structure/function; Has not been previously published as pathogenic or benign to our knowledge

Xiao lab, Department of Pathology, Memorial Sloan Kettering Cancer Center
Classification: Likely pathogenic for Multiple myeloma. Last evaluated: 2019-08-31. Review status: no assertion criteria provided. Collection method: clinical testing. Allele origin: somatic. Affected: yes. Not counted in ClinVar's aggregate classification.

NM_006494.4(ERF):c.228G>A (p.Met76Ile)

Gene: ERF (ETS2 repressor factor; minus strand). Cytogenetic location: 19q13.2.
Variant type: single nucleotide variant.
Coding change: c.228G>A on transcript NM_006494.4 (MANE Select); coding-DNA position 228, G replaced by A.
Protein change: p.Met76Ile; replaces methionine 76 with isoleucine.
Molecular consequence: missense variant. On other transcripts: initiator codon variant (3).
Genome position (GRCh38, 1-based): chr19:42,250,360, C>T on the plus strand (G>A on the coding strand, the complement: ERF is on the minus strand). VCF-style: chr19-42250360-C-T. GRCh37 (hg19) VCF-style: chr19-42754512-C-T.
Other names: c.3G>A, p.Met1Ile (NM_001301035.2, NM_001308402.2, NM_001312656.2); c.228G>A (NM_006494.2); short protein forms M76I, M1I.
Identifiers: ClinVar variation 800327 (VCV000800327.3), dbSNP rs1599824091, ClinGen allele CA406114918.
Genomic context (GRCh38, chr19:42,250,360, plus strand): 5'-ATGTGCTCAGGGGTCCCCAGCCCGTCCTCACCGCAGGGCCCGGCTCAGCTTGTCGTAATT[C>T]ATCTGGGGCTTGCACTTGCGAACGCCCCACAGCCGGGCCACCTCATCAGGGTCTTTGATG-3'
Protein context (NP_006485.2, residues 66-86): LWGVRKCKPQ[Met76Ile]NYDKLSRALR